The following is an entry in ClinVar:

NM_001032283.3(TMPO):c.565+1410G>A

Gene: TMPO (thymopoietin; plus strand). Cytogenetic location: 12q23.1.
Variant type: single nucleotide variant.
Coding change: c.565+1410G>A on transcript NM_001032283.3 (MANE Select); 1410 bases into the intron after coding-DNA position 565, G replaced by A.
Molecular consequence: intron variant. On other transcripts: missense variant (1).
Genome position (GRCh38, 1-based): chr12:98,533,248, G>A. VCF-style: chr12-98533248-G-A. GRCh37 (hg19) VCF-style: chr12-98927026-G-A.
Other names: c.991G>A, p.Gly331Ser (NM_003276.2); c.565+1410G>A (NM_001307975.2, NM_001032284.3); short protein forms G331S.
Identifiers: ClinVar variation 2620701 (VCV002620701.4), dbSNP rs774919594, ClinGen allele CA6732334.
Genomic context (GRCh38, chr12:98,533,248, plus strand): 5'-CCTTCACTGATTAAAGAAACCACCACTGGTTACTATAAAGACATAGTAGAAAATATTTGC[G>A]GTAGAGAGAAAAGTGGAATTCAACCATTATGTCCTGAGAGGTCCCATATTTCAGATCAAT-3'

ClinVar aggregate classification (germline): Uncertain significance. Review status: criteria provided, multiple submitters, no conflicts (2 of 4 stars). 2 submissions from 2 submitters: Uncertain significance (2). Last evaluated 2024-04-04.

Conditions:
Loeys-Dietz syndrome 2 (LDS2). Also called: Marfan syndrome, type 2 (formerly); TGFBR2-Related Loeys-Dietz Syndrome; AORTIC ANEURYSM, FAMILIAL THORACIC 3; MARFAN SYNDROME, TYPE II; Marfan Syndrome type 2; Marfan like connective tissue disorder. Identifiers: Orphanet 284973, Orphanet 558, MedGen C2674574, MONDO:0012427, OMIM 610168.

Allele frequency attached by ClinVar (database versions not stated): gnomAD 0.00001; gnomAD exomes 0.00001; TOPMed 0.00001; ExAC 0.00002.
gnomAD v4.1: 13 of 1,613,684 alleles (0.00081%); highest among the groups gnomAD compares: East Asian, 0.0022%; no homozygotes.

Submissions (2):

Labcorp Genetics (formerly Invitae), Labcorp
Classification: Uncertain significance for Loeys-Dietz syndrome 2. Last evaluated: 2024-04-04. Review status: criteria provided, single submitter. Criteria: Invitae Variant Classification Sherloc (09022015). Collection method: clinical testing. Allele origin: germline.
Comment: This sequence change replaces glycine, which is neutral and non-polar, with serine, which is neutral and polar, at codon 331 of the TMPO protein (p.Gly331Ser). This variant is present in population databases (rs774919594, gnomAD 0.003%). This variant has not been reported in the literature in individuals affected with TMPO-related conditions. ClinVar contains an entry for this variant (Variation ID: 2620701). Advanced modeling of protein sequence and biophysical properties (such as structural, functional, and spatial information, amino acid conservation, physicochemical variation, residue mobility, and thermodynamic stability) performed at Invitae indicates that this missense variant is not expected to disrupt TMPO protein function with a negative predictive value of 80%. In summary, the available evidence is currently insufficient to determine the role of this variant in disease. Therefore, it has been classified as a Variant of Uncertain Significance.

Ambry Genetics
Classification: Uncertain significance. Last evaluated: 2023-06-29. Review status: criteria provided, single submitter. Criteria: Ambry Variant Classification Scheme 2023. Collection method: clinical testing. Allele origin: germline.
Comment: The p.G331S variant (also known as c.991G>A), located in coding exon 4 of the TMPO gene, results from a G to A substitution at nucleotide position 991. The glycine at codon 331 is replaced by serine, an amino acid with similar properties. This amino acid position is conserved. In addition, this alteration is predicted to be tolerated by in silico analysis. Since supporting evidence is limited at this time, the clinical significance of this alteration remains unclear.